The following is an entry in ClinVar:

NM_201384.3(PLEC):c.8724C>T (p.Ala2908=)

Gene: PLEC (plectin; minus strand). Cytogenetic location: 8q24.3.
Variant type: single nucleotide variant.
Coding change: c.8724C>T on transcript NM_201384.3 (MANE Select); coding-DNA position 8724, C replaced by T.
Protein change: p.Ala2908=; no amino-acid change (alanine 2908 retained).
Molecular consequence: synonymous variant.
Genome position (GRCh38, 1-based): chr8:143,921,097, G>A on the plus strand (C>T on the coding strand, the complement: PLEC is on the minus strand). VCF-style: chr8-143921097-G-A. GRCh37 (hg19) VCF-style: chr8-144995265-G-A.
Other names: c.8805C>T, p.Ala2935= (NM_000445.5); c.8682C>T, p.Ala2894= (NM_201378.4); c.8658C>T, p.Ala2886= (NM_201379.3); c.9135C>T, p.Ala3045= (NM_201380.4); c.8628C>T, p.Ala2876= (NM_201381.3); c.8724C>T, p.Ala2908= (NM_201382.4); c.8736C>T, p.Ala2912= (NM_201383.3).
Identifiers: ClinVar variation 706666 (VCV000706666.11), dbSNP rs942494818, ClinGen allele CA187611791.

ClinVar aggregate classification (germline): Likely benign. Review status: criteria provided, multiple submitters, no conflicts (2 of 4 stars). 2 submissions from 2 submitters: Likely benign (2). Last evaluated 2024-11-20.

Conditions:
PLEC-related disorder. Also called: PLEC-related disorders; PLEC-related condition.
Epidermolysis bullosa simplex with nail dystrophy (EBS5D). Identifiers: MedGen C4225309, MONDO:0014661, OMIM 616487.
Epidermolysis bullosa simplex 5B, with muscular dystrophy (EBS5B). Also called: Epidermolysis bullosa simplex with muscular dystrophy; EPIDERMOLYSIS BULLOSA SIMPLEX AND LIMB-GIRDLE MUSCULAR DYSTROPHY. Identifiers: Orphanet 257, MedGen C2931072, MONDO:0009181, OMIM 226670.
Autosomal recessive limb-girdle muscular dystrophy type 2Q (LGMDR17). Also called: MUSCULAR DYSTROPHY, LIMB-GIRDLE, AUTOSOMAL RECESSIVE 17. Identifiers: Orphanet 254361, MedGen C3150989, MONDO:0013390, OMIM 613723.
Epidermolysis bullosa simplex 5C, with pyloric atresia (EBS5C). Also called: PLEC-Related Epidermolysis Bullosa with Pyloric Atresia; Epidermolysis bullosa simplex with pyloric atresia; PLEC1-Related Epidermolysis Bullosa with Pyloric Atresia. Identifiers: Orphanet 158684, MedGen C2677349, MONDO:0012807, OMIM 612138.
Epidermolysis bullosa simplex, Ogna type (EBS5A). Also called: Pidermolysis bullosa simplex 5A, Ogna type; EPIDERMOLYSIS BULLOSA SIMPLEX 5A, OGNA TYPE. Identifiers: Orphanet 79401, MedGen C0432317, MONDO:0007555, OMIM 131950.

Allele frequency attached by ClinVar (database versions not stated): gnomAD exomes below 0.00001; gnomAD 0.00002; TOPMed 0.00002.
gnomAD v4.1: 5 of 1,612,028 alleles (0.00031%); highest among the groups gnomAD compares: African/African-American, 0.0053%; no homozygotes.

Submissions (2):

PreventionGenetics, part of Exact Sciences
Classification: Likely benign for PLEC-related condition. Last evaluated: 2024-11-20. Review status: criteria provided, single submitter. Criteria: ACMG Guidelines, 2015. Collection method: clinical testing. Allele origin: germline.
Comment: This variant is classified as likely benign based on ACMG/AMP sequence variant interpretation guidelines (Richards et al. 2015 PMID: 25741868, with internal and published modifications).

Labcorp Genetics (formerly Invitae), Labcorp
Classification: Likely benign for Autosomal recessive limb-girdle muscular dystrophy type 2Q; Epidermolysis bullosa simplex, Ogna type; Epidermolysis bullosa simplex with nail dystrophy; Epidermolysis bullosa simplex 5C, with pyloric atresia; Epidermolysis bullosa simplex 5B, with muscular dystrophy. Last evaluated: 2023-12-11. Review status: criteria provided, single submitter. Criteria: Invitae Variant Classification Sherloc (09022015). Collection method: clinical testing. Allele origin: germline.